The following is an entry in ClinVar:

NC_000016.9:g.(?_2135221)_(2140114_?)dup

Genes: PKD1 (polycystin 1, transient receptor potential channel interacting; minus strand), TSC2 (TSC complex subunit 2; plus strand). Cytogenetic location: 16p13.3.
Variant type: Duplication.
Identifiers: ClinVar variation 1409856 (VCV001409856.3).

ClinVar aggregate classification (germline): Uncertain significance (1 of 4 stars; one submission).

Conditions:
Tuberous sclerosis 2 (TSC2). Identifiers: Orphanet 805, MedGen C1860707, MONDO:0013199, OMIM 613254.

Submission:

Labcorp Genetics (formerly Invitae), Labcorp
Classification: Uncertain significance for Tuberous sclerosis 2. Last evaluated: 2020-11-05. Review status: criteria provided, single submitter. Criteria: Invitae Variant Classification Sherloc (09022015). Collection method: clinical testing. Allele origin: germline.
Comment: This variant results in a copy number gain of the genomic region encompassing exon(s) 36-42 of the TSC2 gene. The 5' boundary is likely confined to intron 35. The 3' end of this event is unknown as it extends beyond the assayed region for this gene and therefore may encompass additional genes. As the precise location of this event is unknown, it may be in tandem or it may be located elsewhere in the genome. This variant has not been reported in the literature in individuals with TSC2-related conditions. In summary, the available evidence is currently insufficient to determine the role of this variant in disease. Therefore, it has been classified as a Variant of Uncertain Significance.